The following is an entry in ClinVar:

NM_004260.4(RECQL4):c.1844A>G (p.His615Arg)

Gene: RECQL4 (RecQ like helicase 4; minus strand). Cytogenetic location: 8q24.3.
Variant type: single nucleotide variant.
Coding change: c.1844A>G on transcript NM_004260.4 (MANE Select); coding-DNA position 1844, A replaced by G.
Protein change: p.His615Arg; replaces histidine 615 with arginine.
Molecular consequence: missense variant. On other transcripts: non-coding transcript variant (3).
Genome position (GRCh38, 1-based): chr8:144,514,223, T>C on the plus strand (A>G on the coding strand, the complement: RECQL4 is on the minus strand). VCF-style: chr8-144514223-T-C. GRCh37 (hg19) VCF-style: chr8-145739607-T-C.
Other names: c.1748A>G, p.His583Arg (NM_001413017.1, NM_001413020.1); c.1844A>G, p.His615Arg (NM_001413018.1, NM_001413019.1, NM_001413036.1); c.773A>G, p.His258Arg (NM_001413021.1, NM_001413022.1, NM_001413023.1 and 6 more transcripts); c.1715A>G, p.His572Arg (NM_001413025.1); c.707A>G, p.His236Arg (NM_001413027.1, NM_001413030.1, NM_001413032.1 and 1 more transcripts); c.1493A>G, p.His498Arg (NM_001413029.1); c.575A>G, p.His192Arg (NM_001413031.1); c.1712A>G, p.His571Arg (NM_001413033.1); and 4 more; short protein forms H498R, H572R, H605R, H214R, H236R, H248R, H258R, H583R.
Identifiers: ClinVar variation 3944239 (VCV003944239.1).

ClinVar aggregate classification (germline): Uncertain significance (1 of 4 stars; one submission).

Conditions:
Inborn genetic diseases. Identifiers: MedGen C0950123, MeSH D030342.

Submission:

Ambry Genetics
Classification: Uncertain significance for Inborn genetic diseases. Last evaluated: 2025-03-18. Review status: criteria provided, single submitter. Criteria: Ambry Variant Classification Scheme 2023. Collection method: clinical testing. Allele origin: germline.
Comment: The p.H615R variant (also known as c.1844A>G), located in coding exon 11 of the RECQL4 gene, results from an A to G substitution at nucleotide position 1844. The histidine at codon 615 is replaced by arginine, an amino acid with highly similar properties. This amino acid position is conserved. In addition, this alteration is predicted to be deleterious by in silico analysis. Based on the available evidence, the clinical significance of this variant remains unclear.